The following is an entry in ClinVar:

NM_033100.4(CDHR1):c.1768C>T (p.Pro590Ser)

Gene: CDHR1 (cadherin related family member 1; plus strand). Cytogenetic location: 10q23.1.
Variant type: single nucleotide variant.
Coding change: c.1768C>T on transcript NM_033100.4 (MANE Select); coding-DNA position 1768, C replaced by T.
Protein change: p.Pro590Ser; replaces proline 590 with serine.
Molecular consequence: missense variant.
Genome position (GRCh38, 1-based): chr10:84,212,393, C>T. VCF-style: chr10-84212393-C-T. GRCh37 (hg19) VCF-style: chr10-85972149-C-T.
Other names: c.1768C>T, p.Pro590Ser (NM_001171971.3); short protein forms P590S.
Identifiers: ClinVar variation 959629 (VCV000959629.10), dbSNP rs866406140, ClinGen allele CA210386887.

ClinVar aggregate classification (germline): Uncertain significance. Review status: criteria provided, multiple submitters, no conflicts (2 of 4 stars). 2 submissions from 2 submitters: Uncertain significance (2). Last evaluated 2022-09-21.

Allele frequency attached by ClinVar (database versions not stated): gnomAD exomes below 0.00001; gnomAD 0.00001; TOPMed 0.00001.
gnomAD v4.1: 5 of 1,613,952 alleles (0.00031%); highest among the groups gnomAD compares: African/African-American, 0.0067%; no homozygotes.

Submissions (2):

Blueprint Genetics
Classification: Uncertain significance. Last evaluated: 2022-09-21. Review status: criteria provided, single submitter. Criteria: ACMG Guidelines, 2015. Collection method: clinical testing. Allele origin: germline.

Labcorp Genetics (formerly Invitae), Labcorp
Classification: Uncertain significance. Last evaluated: 2022-07-21. Review status: criteria provided, single submitter. Criteria: Invitae Variant Classification Sherloc (09022015). Collection method: clinical testing. Allele origin: germline.
Comment: In summary, the available evidence is currently insufficient to determine the role of this variant in disease. Therefore, it has been classified as a Variant of Uncertain Significance. Advanced modeling of protein sequence and biophysical properties (such as structural, functional, and spatial information, amino acid conservation, physicochemical variation, residue mobility, and thermodynamic stability) performed at Invitae indicates that this missense variant is not expected to disrupt CDHR1 protein function. This sequence change replaces proline, which is neutral and non-polar, with serine, which is neutral and polar, at codon 590 of the CDHR1 protein (p.Pro590Ser). This variant is not present in population databases (gnomAD no frequency). This variant has not been reported in the literature in individuals affected with CDHR1-related conditions. ClinVar contains an entry for this variant (Variation ID: 959629).